The following is an entry in ClinVar:

NM_002444.3(MSN):c.1439A>C (p.Gln480Pro)

Gene: MSN (moesin; plus strand). Cytogenetic location: Xq12.
Variant type: single nucleotide variant.
Coding change: c.1439A>C on transcript NM_002444.3 (MANE Select); coding-DNA position 1439, A replaced by C.
Protein change: p.Gln480Pro; replaces glutamine 480 with proline.
Molecular consequence: missense variant.
Genome position (GRCh38, 1-based): chrX:65,739,064, A>C. VCF-style: chrX-65739064-A-C. GRCh37 (hg19) VCF-style: chrX-64958926-A-C.
Other names: short protein forms Q480P.
Identifiers: ClinVar variation 2662792 (VCV002662792.1), dbSNP rs2523022786, ClinGen allele CA413414061.

ClinVar aggregate classification (germline): Uncertain significance (1 of 4 stars; one submission).

Submission:

GeneDx
Classification: Uncertain significance. Last evaluated: 2023-04-11. Review status: criteria provided, single submitter. Criteria: GeneDx Variant Classification Process June 2021. Collection method: clinical testing. Allele origin: germline. Affected: yes.
Comment: Not observed at significant frequency in large population cohorts (gnomAD); In silico analysis supports that this missense variant does not alter protein structure/function; Has not been previously published as pathogenic or benign to our knowledge